The following is an entry in ClinVar:

ClinVar aggregate classification (germline): Pathogenic (1 of 4 stars; one submission).

Conditions:
Frontotemporal dementia and/or amyotrophic lateral sclerosis 4. Also called: FTDALS4. Identifiers: Orphanet 275872, MedGen C4225325, MONDO:0014641, OMIM 616439.

Submission:

Labcorp Genetics (formerly Invitae), Labcorp
Classification: Pathogenic for Frontotemporal dementia and/or amyotrophic lateral sclerosis 4. Last evaluated: 2025-07-06. Review status: criteria provided, single submitter. Criteria: Invitae Variant Classification Sherloc (09022015). Collection method: clinical testing. Allele origin: germline.
Comment: This sequence change creates a premature translational stop signal (p.Leu399Profs*10) in the TBK1 gene. It is expected to result in an absent or disrupted protein product. Loss-of-function variants in TBK1 are known to be pathogenic (PMID: 25803835, 26476236, 26581300). This variant is not present in population databases (gnomAD no frequency). This variant has not been reported in the literature in individuals affected with TBK1-related conditions. For these reasons, this variant has been classified as Pathogenic.

Literature cited by the submitters: PubMed 25803835; PubMed 26476236; PubMed 26581300.

NM_013254.4(TBK1):c.1196del (p.Leu399fs)

Gene: TBK1 (TANK binding kinase 1; plus strand). Cytogenetic location: 12q14.2.
Variant type: Deletion.
Coding change: c.1196del on transcript NM_013254.4 (MANE Select); coding-DNA position 1196, one base deleted (T; older notation c.1196delT).
Protein change: p.Leu399fs; shifts the reading frame from leucine 399.
Molecular consequence: frameshift variant.
Genome position (GRCh38, 1-based): chr12:64,485,461, T deleted. VCF-style (leftmost placement, unchanged base first): chr12-64485460-CT-C. GRCh37 (hg19) VCF-style: chr12-64879240-CT-C.
Other names: short protein forms L399fs.
Identifiers: ClinVar variation 4715141 (VCV004715141.1).